The following is an entry in ClinVar:

ClinVar aggregate classification (germline): Uncertain significance (1 of 4 stars; one submission).

gnomAD v4.1: 1 of 1,596,064 alleles (0.000063%); highest among the groups gnomAD compares: Admixed American, 0.0017%; no homozygotes.

Submission:

Ambry Genetics
Classification: Uncertain significance. Last evaluated: 2026-07-15. Review status: criteria provided, single submitter. Criteria: Ambry Variant Classification Scheme 2023. Collection method: clinical testing. Allele origin: germline.
Comment: The p.V1681M variant (also known as c.5041G>A), located in coding exon 22 of the WNK2 gene, results from a G to A substitution at nucleotide position 5041. The valine at codon 1681 is replaced by methionine, an amino acid with highly similar properties. This amino acid position is conserved. In addition, this alteration is predicted to be tolerated by in silico analysis. Based on the available evidence, the clinical significance of this variant remains unclear.

NM_006648.4(WNK2):c.5041G>A (p.Val1681Met)

Gene: WNK2 (WNK lysine deficient protein kinase 2; plus strand). Cytogenetic location: 9q22.31.
Variant type: single nucleotide variant.
Coding change: c.5041G>A on transcript NM_006648.4 (MANE Select); coding-DNA position 5041, G replaced by A.
Protein change: p.Val1681Met; replaces valine 1681 with methionine.
Molecular consequence: missense variant.
Genome position (GRCh38, 1-based): chr9:93,292,506, G>A. VCF-style: chr9-93292506-G-A. GRCh37 (hg19) VCF-style: chr9-96054788-G-A.
Other names: c.5152G>A, p.Val1718Met (NM_001282394.3); short protein forms V1681M, V1718M.
Identifiers: ClinVar variation 5031861 (VCV005031861.1).